The following is an entry in ClinVar:

NM_000219.6(KCNE1):c.47T>G (p.Leu16Arg)

Gene: KCNE1 (potassium voltage-gated channel subfamily E regulatory subunit 1; minus strand). Cytogenetic location: 21q22.12.
Variant type: single nucleotide variant.
Coding change: c.47T>G on transcript NM_000219.6 (MANE Select); coding-DNA position 47, T replaced by G.
Protein change: p.Leu16Arg; replaces leucine 16 with arginine.
Molecular consequence: missense variant.
Genome position (GRCh38, 1-based): chr21:34,449,588, A>C on the plus strand (T>G on the coding strand, the complement: KCNE1 is on the minus strand). VCF-style: chr21-34449588-A-C. GRCh37 (hg19) VCF-style: chr21-35821886-A-C.
Other names: c.47T>G, p.Leu16Arg (NM_001127668.4, NM_001127669.4, NM_001127670.4 and 4 more transcripts); short protein forms L16R.
Identifiers: ClinVar variation 3373903 (VCV003373903.2).

Conditions:
Long QT syndrome 5 (LQT5). Identifiers: Orphanet 101016, Orphanet 768, MedGen C1867904, MONDO:0013372, OMIM 613695.

Submission:

Roden Lab, Vanderbilt University Medical Center
No classification provided (evidence only). Condition: Long QT syndrome 5. Review status: no classification provided. Collection method: in vitro. Allele origin: not applicable. Functional consequence: Effect on ion channel function.
ClinVar note: "not provided" was previously submitted as the classification for the variant. However, the classification appeared to be based only on an observation of functional data so it was converted to no classification on 2025-07-30.